The following is an entry in ClinVar:

NM_032776.3(JMJD1C):c.2323C>G (p.Pro775Ala)

Gene: JMJD1C (jumonji domain containing 1C; minus strand). Cytogenetic location: 10q21.3.
Variant type: single nucleotide variant.
Coding change: c.2323C>G on transcript NM_032776.3 (MANE Select); coding-DNA position 2323, C replaced by G.
Protein change: p.Pro775Ala; replaces proline 775 with alanine.
Molecular consequence: missense variant. On other transcripts: non-coding transcript variant (1).
Genome position (GRCh38, 1-based): chr10:63,213,844, G>C on the plus strand (C>G on the coding strand, the complement: JMJD1C is on the minus strand). VCF-style: chr10-63213844-G-C. GRCh37 (hg19) VCF-style: chr10-64973604-G-C.
Other names: c.1777C>G, p.Pro593Ala (NM_001282948.2, NM_001318154.2); c.1459C>G, p.Pro487Ala (NM_001318153.2); c.2209C>G, p.Pro737Ala (NM_001322252.2); c.1666C>G, p.Pro556Ala (NM_001322254.2, NM_001322258.2); short protein forms P487A, P737A, P556A, P593A, P775A.
Identifiers: ClinVar variation 946283 (VCV000946283.1), dbSNP rs1268802352, ClinGen allele CA377045374.
Genomic context (GRCh38, chr10:63,213,844, plus strand): 5'-AATGAGGGTGATGAACAGCATGGTGTGGACCACTAGTCAGAGGATGAGTGTTAATGGTAG[G>C]TAATGGAGTTTGACTAGATGATCCGGCTAGTAAATGGGGTGCAGGAGTTAAGGCAGGATG-3'
Protein context (NP_116165.1, residues 765-785): LAGSSSQTPL[Pro775Ala]TINTHPLTSG

ClinVar aggregate classification (germline): Uncertain significance (1 of 4 stars; one submission).

Conditions:
Early Myoclonic Encephalopathy. Identifiers: MedGen C0270855.

Allele frequency attached by ClinVar (database versions not stated): gnomAD exomes 0.00001.
gnomAD v4.1: 7 of 1,614,014 alleles (0.00043%); highest among the groups gnomAD compares: Middle Eastern, 0.082%; no homozygotes.

Submission:

Labcorp Genetics (formerly Invitae), Labcorp
Classification: Uncertain significance for Early myoclonic encephalopathy. Last evaluated: 2019-05-09. Review status: criteria provided, single submitter. Criteria: Invitae Variant Classification Sherloc (09022015). Collection method: clinical testing. Allele origin: germline.
Comment: This sequence change replaces proline with alanine at codon 775 of the JMJD1C protein (p.Pro775Ala). The proline residue is moderately conserved and there is a small physicochemical difference between proline and alanine. This variant is not present in population databases (ExAC no frequency). This variant has not been reported in the literature in individuals with JMJD1C-related disease. Algorithms developed to predict the effect of missense changes on protein structure and function (SIFT, PolyPhen-2, Align-GVGD) all suggest that this variant is likely to be tolerated, but these predictions have not been confirmed by published functional studies and their clinical significance is uncertain. In summary, the available evidence is currently insufficient to determine the role of this variant in disease. Therefore, it has been classified as a Variant of Uncertain Significance.